The following is an entry in ClinVar:

NM_000321.3(RB1):c.807T>G (p.Asn269Lys)

Gene: RB1 (RB transcriptional corepressor 1; plus strand). Cytogenetic location: 13q14.2.
Variant type: single nucleotide variant.
Coding change: c.807T>G on transcript NM_000321.3 (MANE Select); coding-DNA position 807, T replaced by G.
Protein change: p.Asn269Lys; replaces asparagine 269 with lysine.
Molecular consequence: missense variant.
Genome position (GRCh38, 1-based): chr13:48,362,903, T>G. VCF-style: chr13-48362903-T-G. GRCh37 (hg19) VCF-style: chr13-48937039-T-G.
Other names: short protein forms N269K.
Identifiers: ClinVar variation 458182 (VCV000458182.13), dbSNP rs922948338, ClinGen allele CA249274436.

ClinVar aggregate classification (germline): Uncertain significance. Review status: criteria provided, multiple submitters, no conflicts (2 of 4 stars). 3 submissions from 3 submitters: Uncertain significance (3). Last evaluated 2025-09-05.

Conditions:
Hereditary cancer-predisposing syndrome. Also called: Neoplastic Syndromes, Hereditary; Tumor predisposition; Hereditary Cancer Syndrome; Hereditary neoplastic syndrome. Identifiers: Orphanet 140162, MedGen C0027672, MeSH D009386, MONDO:0015356.
Retinoblastoma (RB1). Also called: RETINOBLASTOMA, SOMATIC. Identifiers: Orphanet 790, MedGen C0035335, MeSH D012175, MONDO:0008380, OMIM 180200, HP:0009919. Disease mechanism: loss of function. Inheritance: Both sporadic and heritable forms are tested..

Allele frequency attached by ClinVar (database versions not stated): gnomAD exomes below 0.00001; TOPMed below 0.00001.
gnomAD v4.1: 1 of 1,613,746 alleles (0.000062%); highest among the groups gnomAD compares: East Asian, 0.0022%; no homozygotes.

Submissions (3):

Color Diagnostics, LLC DBA Color Health
Classification: Uncertain significance for Retinoblastoma. Last evaluated: 2025-09-05. Review status: criteria provided, single submitter. Criteria: ACMG Guidelines, 2015. Collection method: clinical testing. Allele origin: germline.
Comment: This missense variant replaces asparagine with lysine at codon 269 of the RB1 protein. Computational prediction suggests that this variant may not impact protein structure and function. To our knowledge, functional studies have not been reported for this variant. This variant has not been reported in individuals affected with RB1-related disorders in the literature. This variant has been identified in 1/251202 chromosomes in the general population by the Genome Aggregation Database (gnomAD). The available evidence is insufficient to determine the role of this variant in disease conclusively. Therefore, this variant is classified as a Variant of Uncertain Significance.

Labcorp Genetics (formerly Invitae), Labcorp
Classification: Uncertain significance for Retinoblastoma. Last evaluated: 2025-08-20. Review status: criteria provided, single submitter. Criteria: Invitae Variant Classification Sherloc (09022015). Collection method: clinical testing. Allele origin: germline.
Comment: This sequence change replaces asparagine, which is neutral and polar, with lysine, which is basic and polar, at codon 269 of the RB1 protein (p.Asn269Lys). This variant is present in population databases (no rsID available, gnomAD 0.006%). This variant has not been reported in the literature in individuals affected with RB1-related conditions. ClinVar contains an entry for this variant (Variation ID: 458182). Invitae Evidence Modeling of protein sequence and biophysical properties (such as structural, functional, and spatial information, amino acid conservation, physicochemical variation, residue mobility, and thermodynamic stability) indicates that this missense variant is not expected to disrupt RB1 protein function with a negative predictive value of 80%. In summary, the available evidence is currently insufficient to determine the role of this variant in disease. Therefore, it has been classified as a Variant of Uncertain Significance.

Ambry Genetics
Classification: Uncertain significance for Hereditary cancer-predisposing syndrome. Last evaluated: 2025-04-18. Review status: criteria provided, single submitter. Criteria: Ambry Variant Classification Scheme 2023. Collection method: clinical testing. Allele origin: germline.
Comment: The p.N269K variant (also known as c.807T>G), located in coding exon 8 of the RB1 gene, results from a T to G substitution at nucleotide position 807. The asparagine at codon 269 is replaced by lysine, an amino acid with similar properties. This amino acid position is conserved. In addition, this alteration is predicted to be tolerated by in silico analysis. Since supporting evidence is limited at this time, the clinical significance of this alteration remains unclear.